The following is an entry in ClinVar:

ClinVar aggregate classification (germline): Likely benign (1 of 4 stars; one submission).

gnomAD v4.1: 1 of 1,605,036 alleles (0.000062%); highest among the groups gnomAD compares: Admixed American, 0.0017%; no homozygotes.

Submission:

CeGaT Center for Human Genetics Tuebingen
Classification: Likely benign. Last evaluated: 2026-08-01. Review status: criteria provided, single submitter. Criteria: CeGaT Center For Human Genetics Tuebingen Variant Classification Criteria Version 2. Collection method: clinical testing. Allele origin: germline. Affected: yes. Observed: 1 variant allele.
Comment: SLC45A1: BP4, BP7

NM_001080397.3(SLC45A1):c.1524C>G (p.Ser508=)

Gene: SLC45A1 (solute carrier family 45 member 1; plus strand). Cytogenetic location: 1p36.23.
Variant type: single nucleotide variant.
Coding change: c.1524C>G on transcript NM_001080397.3 (MANE Select); coding-DNA position 1524, C replaced by G.
Protein change: p.Ser508=; no amino-acid change (serine 508 retained).
Molecular consequence: synonymous variant.
Genome position (GRCh38, 1-based): chr1:8,335,517, C>G. VCF-style: chr1-8335517-C-G. GRCh37 (hg19) VCF-style: chr1-8395577-C-G.
Other names: c.1524C>G, p.Ser508= (NM_001379614.1); c.1431C>G, p.Ser477= (NM_001379615.1, NM_001379616.1); c.918C>G, p.Ser306= (NM_001379617.1, NM_001379618.1).
Identifiers: ClinVar variation 5040686 (VCV005040686.1).
Genomic context (GRCh38, chr1:8,335,517, plus strand): 5'-CGGCGTGAAGTATGAGAGCGAGCTGACGGGCTCCAGCGAGCGCGCGGAGCAGCCTCTGTC[C>G]GTGGGGCGCCTCTGCTCCACCATCTGCAACATGCCCAAGGCGCTACGCACCCTCTGCGTC-3'
Protein context (NP_001073866.3, residues 498-518): GSSERAEQPL[Ser508=]VGRLCSTICN